The following is an entry in ClinVar:

ClinVar aggregate classification (germline): Uncertain significance. Review status: criteria provided, multiple submitters, no conflicts (2 of 4 stars). 2 submissions from 2 submitters: Uncertain significance (2). Last evaluated 2025-08-13.

Conditions:
ARHGEF28-related disorder. Also called: ARHGEF28-related condition.

Allele frequency attached by ClinVar (database versions not stated): gnomAD exomes 0.00009; 1000 Genomes Project 30x 0.00031; TOPMed 0.00037; 1000 Genomes Project 0.00040; ExAC 0.00040; ESP Exome Variant Server 0.00049.

Submissions (2):

Ambry Genetics
Classification: Uncertain significance. Last evaluated: 2025-08-13. Review status: criteria provided, single submitter. Criteria: Ambry Variant Classification Scheme 2023. Collection method: clinical testing. Allele origin: germline.

PreventionGenetics, part of Exact Sciences
Classification: Uncertain significance for ARHGEF28-related condition. Last evaluated: 2022-12-08. Review status: criteria provided, single submitter. Criteria: ACMG Guidelines, 2015. Collection method: clinical testing. Allele origin: germline.
Comment: The ARHGEF28 c.3544C>T variant is predicted to result in the amino acid substitution p.Arg1182Trp. To our knowledge, this variant has not been reported in the literature. This variant is reported in 0.12% of alleles in individuals of African descent in gnomAD. Although we suspect that this variant may be benign, at this time, the clinical significance of this variant is uncertain due to the absence of conclusive functional and genetic evidence.

NM_001177693.2(ARHGEF28):c.3544C>T (p.Arg1182Trp)

Gene: ARHGEF28 (Rho guanine nucleotide exchange factor 28; plus strand). Cytogenetic location: 5q13.2.
Variant type: single nucleotide variant.
Coding change: c.3544C>T on transcript NM_001177693.2 (MANE Select); coding-DNA position 3544, C replaced by T.
Protein change: p.Arg1182Trp; replaces arginine 1182 with tryptophan.
Molecular consequence: missense variant.
Genome position (GRCh38, 1-based): chr5:73,892,208, C>T. VCF-style: chr5-73892208-C-T. GRCh37 (hg19) VCF-style: chr5-73188033-C-T.
Other names: c.3544C>T, p.Arg1182Trp (NM_001080479.3, NM_001388078.1); c.2605C>T, p.Arg869Trp (NM_001244364.2); c.3250C>T, p.Arg1084Trp (NM_001388076.1); short protein forms R1084W, R1182W, R869W.
Identifiers: ClinVar variation 2634712 (VCV002634712.2), dbSNP rs200590953, ClinGen allele CA3305108.
Genomic context (GRCh38, chr5:73,892,208, plus strand): 5'-GGTCCTGAGATGTATGAAATTCACACCAATTCCAAGGAGGAACGCAATAACTGGATGAGA[C>T]GGATCCAGCAGGCTGTAGAAAGGTAACATTTCCTTCCGTCCATAATCTATGGAACAGAGT-3'
Protein context (NP_001171164.1, residues 1172-1192): SKEERNNWMR[Arg1182Trp]IQQAVESCPE